The following is an entry in ClinVar:

NM_181507.2(HPS5):c.1651C>T (p.Arg551Cys)

Gene: HPS5 (HPS5 biogenesis of lysosomal organelles complex 2 subunit 2; minus strand). Cytogenetic location: 11p15.1.
Variant type: single nucleotide variant.
Coding change: c.1651C>T on transcript NM_181507.2 (MANE Select); coding-DNA position 1651, C replaced by T.
Protein change: p.Arg551Cys; replaces arginine 551 with cysteine.
Molecular consequence: missense variant.
Genome position (GRCh38, 1-based): chr11:18,295,153, G>A on the plus strand (C>T on the coding strand, the complement: HPS5 is on the minus strand). VCF-style: chr11-18295153-G-A. GRCh37 (hg19) VCF-style: chr11-18316700-G-A.
Other names: c.1309C>T, p.Arg437Cys (NM_007216.4, NM_181508.2); short protein forms R437C, R551C.
Identifiers: ClinVar variation 1986253 (VCV001986253.1), dbSNP rs576840531, ClinGen allele CA5910045.

ClinVar aggregate classification (germline): Uncertain significance (1 of 4 stars; one submission).

Allele frequency attached by ClinVar (database versions not stated): gnomAD 0.00001; TOPMed 0.00001; 1000 Genomes Project 0.00040; 1000 Genomes Project 30x 0.00047.
gnomAD v4.1: 19 of 1,613,906 alleles (0.0012%); highest among the groups gnomAD compares: Middle Eastern, 0.017%; no homozygotes.

Submission:

Labcorp Genetics (formerly Invitae), Labcorp
Classification: Uncertain significance. Last evaluated: 2022-07-15. Review status: criteria provided, single submitter. Criteria: Invitae Variant Classification Sherloc (09022015). Collection method: clinical testing. Allele origin: germline.
Comment: This sequence change replaces arginine, which is basic and polar, with cysteine, which is neutral and slightly polar, at codon 551 of the HPS5 protein (p.Arg551Cys). This variant is present in population databases (rs576840531, gnomAD 0.006%). This variant has not been reported in the literature in individuals affected with HPS5-related conditions. Algorithms developed to predict the effect of missense changes on protein structure and function are either unavailable or do not agree on the potential impact of this missense change (SIFT: "Deleterious"; PolyPhen-2: "Probably Damaging"; Align-GVGD: "Class C0"). In summary, the available evidence is currently insufficient to determine the role of this variant in disease. Therefore, it has been classified as a Variant of Uncertain Significance.